The following is an entry in ClinVar:

ClinVar aggregate classification (germline): Pathogenic (1 of 4 stars; one submission).

Conditions:
Pheochromocytoma. Also called: MAX-Related Hereditary Paraganglioma-Pheochromocytoma Syndrome. Identifiers: Orphanet 29072, MedGen C0031511, MONDO:0008233, OMIM 171300, HP:0002666.
Gastrointestinal stromal tumor. Also called: Gastrointestinal stroma tumor; Gastrointestinal stromal tumor, somatic. Identifiers: Orphanet 44890, MedGen C0238198, MeSH D046152, MONDO:0011719, OMIM 606764, HP:0100723.
Pheochromocytoma/paraganglioma syndrome 4. Also called: CAROTID BODY TUMORS AND MULTIPLE EXTRAADRENAL PHEOCHROMOCYTOMAS; PARAGANGLIOMA, FAMILIAL MALIGNANT; PARAGANGLIOMAS, HEREDITARY EXTRAADRENAL; PHEOCHROMOCYTOMA, FAMILIAL EXTRAADRENAL; Paragangliomas 4; SDHB-Related Hereditary Paraganglioma-Pheochromocytoma Syndrome (Paragangliomas 4). Identifiers: Orphanet 29072, MedGen C1861848, MONDO:0007273, OMIM 115310.

Submission:

Labcorp Genetics (formerly Invitae), Labcorp
Classification: Pathogenic for Gastrointestinal stromal tumor; Pheochromocytoma/paraganglioma syndrome 4; Pheochromocytoma. Last evaluated: 2022-05-20. Review status: criteria provided, single submitter. Criteria: Invitae Variant Classification Sherloc (09022015). Collection method: clinical testing. Allele origin: germline.
Comment: This variant has not been reported in the literature in individuals affected with SDHB-related conditions. This variant is not present in population databases (gnomAD no frequency). This sequence change creates a premature translational stop signal (p.Lys158Argfs*17) in the SDHB gene. It is expected to result in an absent or disrupted protein product. Loss-of-function variants in SDHB are known to be pathogenic (PMID: 19454582, 19802898). Algorithms developed to predict the effect of sequence changes on RNA splicing suggest that this variant may disrupt the consensus splice site. For these reasons, this variant has been classified as Pathogenic.

Literature cited by the submitters: PubMed 19454582; PubMed 19802898.

NM_003000.3(SDHB):c.473del (p.Lys158fs)

Gene: SDHB (succinate dehydrogenase complex iron sulfur subunit B; minus strand). Cytogenetic location: 1p36.13.
Variant type: Deletion.
Coding change: c.473del on transcript NM_003000.3 (MANE Select); coding-DNA position 473, one base deleted (A; older notation c.473delA).
Protein change: p.Lys158fs; shifts the reading frame from lysine 158.
Molecular consequence: frameshift variant.
Genome position (GRCh38, 1-based): chr1:17,027,816, T deleted on the plus strand (A on the coding strand, the reverse complement: SDHB is on the minus strand); the first of 2 consecutive T bases (chr1:17,027,816-17,027,817); deleting either gives the same sequence. VCF-style (leftmost placement, unchanged base first): chr1-17027815-CT-C. GRCh37 (hg19) VCF-style: chr1-17354310-CT-C.
Other names: c.418delA, p.Lys140Argfs (NM_001407361.1); short protein forms K158fs.
Identifiers: ClinVar variation 1997048 (VCV001997048.4), dbSNP rs2525017788, ClinGen allele CA2580060651.